The following is an entry in ClinVar:

ClinVar aggregate classification (germline): Conflicting classifications of pathogenicity. Review status: criteria provided, conflicting classifications (1 of 4 stars). 2 submissions from 2 submitters: Likely pathogenic (1); Uncertain significance (1). Last evaluated 2025-11-11.

Conditions:
COL11A1-related disorder. Also called: COL11A1-related disorders; COL11A1-related condition.

Submissions (2):

PreventionGenetics, part of Exact Sciences
Classification: Likely pathogenic for COL11A1-related condition. Last evaluated: 2025-11-11. Review status: criteria provided, single submitter. Criteria: ACMG Guidelines, 2015. Collection method: clinical testing. Allele origin: germline.
Comment: The COL11A1 c.4151G>T variant is predicted to result in the amino acid substitution p.Gly1384Val. To our knowledge, this variant has not been reported in the literature or in a large population database, indicating this variant is rare. This variant affects a Gly residue of the conserved Gly-Xaa-Yaa triple helical domain (amino acid residues 529-1542), where substitutions of glycine are usually pathogenic (Richards et al. 2010. PubMed ID: 20513134). This variant is interpreted as likely pathogenic.

Labcorp Genetics (formerly Invitae), Labcorp
Classification: Uncertain significance. Last evaluated: 2024-08-04. Review status: criteria provided, single submitter. Criteria: Invitae Variant Classification Sherloc (09022015). Collection method: clinical testing. Allele origin: germline.
Comment: This sequence change replaces glycine, which is neutral and non-polar, with valine, which is neutral and non-polar, at codon 1384 of the COL11A1 protein (p.Gly1384Val). This variant is not present in population databases (gnomAD no frequency). This variant has not been reported in the literature in individuals affected with COL11A1-related conditions. Advanced modeling of protein sequence and biophysical properties (such as structural, functional, and spatial information, amino acid conservation, physicochemical variation, residue mobility, and thermodynamic stability) performed at Invitae indicates that this missense variant is expected to disrupt COL11A1 protein function with a positive predictive value of 80%. In summary, the available evidence is currently insufficient to determine the role of this variant in disease. Therefore, it has been classified as a Variant of Uncertain Significance.

NM_001854.4(COL11A1):c.4151G>T (p.Gly1384Val)

Gene: COL11A1 (collagen type XI alpha 1 chain; minus strand). Cytogenetic location: 1p21.1.
Variant type: single nucleotide variant.
Coding change: c.4151G>T on transcript NM_001854.4 (MANE Select); coding-DNA position 4151, G replaced by T.
Protein change: p.Gly1384Val; replaces glycine 1384 with valine.
Molecular consequence: missense variant. On other transcripts: non-coding transcript variant (1).
Genome position (GRCh38, 1-based): chr1:102,898,763, C>A on the plus strand (G>T on the coding strand, the complement: COL11A1 is on the minus strand). VCF-style: chr1-102898763-C-A. GRCh37 (hg19) VCF-style: chr1-103364319-C-A.
Other names: c.4034G>T, p.Gly1345Val (NM_001190709.2); c.4187G>T, p.Gly1396Val (NM_080629.3); c.3803G>T, p.Gly1268Val (NM_080630.4); short protein forms G1268V, G1345V, G1384V, G1396V.
Identifiers: ClinVar variation 3347115 (VCV003347115.4).